The following is an entry in ClinVar:

ClinVar aggregate classification (germline): Conflicting classifications of pathogenicity. Review status: criteria provided, conflicting classifications (1 of 4 stars). 2 submissions from 2 submitters: Likely pathogenic (1); Uncertain significance (1). Last evaluated 2025-06-21.

Submissions (2):

GeneDx
Classification: Likely pathogenic. Last evaluated: 2025-06-21. Review status: criteria provided, single submitter. Criteria: GeneDx Variant Classification Process June 2021. Collection method: clinical testing. Allele origin: germline. Affected: yes.
Comment: Not observed at significant frequency in large population cohorts (gnomAD); In silico analysis supports that this missense variant has a deleterious effect on protein structure/function; Missense variants in this gene are a common cause of disease and they are underrepresented in the general population; Has not been previously published as pathogenic or benign to our knowledge; This variant is associated with the following publications: (PMID: 29493581)

ARUP Laboratories, Molecular Genetics and Genomics, ARUP Laboratories
Classification: Uncertain significance. Last evaluated: 2020-02-05. Review status: criteria provided, single submitter. Criteria: ARUP Molecular Germline Variant Investigation Process. Collection method: clinical testing. Allele origin: germline.
Comment: The PTPN11 c.1402A>G; p.Thr468Ala variant (rs886039711), to our knowledge, is not reported in the medical literature or gene-specific databases. This variant is also absent from general population databases (Exome Variant Server, Genome Aggregation Database), indicating it is not a common polymorphism. The threonine at codon 468 is highly conserved, it occurs in the protein tyrosine phosphatase domain in the catalytic site consensus sequence (Digilio 2002), and computational analyses (SIFT, PolyPhen-2) predict that this variant is deleterious. Additionally, other amino acid substitutions at this codon (p.Thr468Met, p.Thr468Pro) have been reported in individuals with LEOPARD syndrome, also called Noonan syndrome with multiple lentigines, and are considered disease-causing (Digilio 2002, Martinelli 2008, Motegi 2015). Functional studies of the p.Thr468Ala variant indicate it has slightly decreased catalytic activity and increased affinity for phosphotyrosine peptides, although other substitutions at the same position exhibit more significantly decreased catalytic activity (Martinelli 2008). However, given the lack of clinical data, the significance of the p.Thr468Ala variant is uncertain at this time. References: Digilio MC et al. Grouping of multiple-lentigines/LEOPARD and Noonan syndromes on the PTPN11 gene. Am J Hum Genet. 2002 Aug;71(2):389-94. Martinelli S et al. Diverse driving forces underlie the invariant occurrence of the T42A, E139D, I282V and T468M SHP2 amino acid substitutions causing Noonan and LEOPARD syndromes. Hum Mol Genet. 2008 Jul 1;17(13):2018-29. Motegi S et al. Pathogenesis of multiple lentigines in LEOPARD syndrome with PTPN11 gene mutation. Acta Derm Venereol. 2015 Nov;95(8):978-84.

NM_002834.5(PTPN11):c.1402A>G (p.Thr468Ala)

Gene: PTPN11 (protein tyrosine phosphatase non-receptor type 11; plus strand). Cytogenetic location: 12q24.13.
Variant type: single nucleotide variant.
Coding change: c.1402A>G on transcript NM_002834.5 (MANE Select); coding-DNA position 1402, A replaced by G.
Protein change: p.Thr468Ala; replaces threonine 468 with alanine.
Molecular consequence: missense variant.
Genome position (GRCh38, 1-based): chr12:112,488,465, A>G. VCF-style: chr12-112488465-A-G. GRCh37 (hg19) VCF-style: chr12-112926269-A-G.
Other names: c.1414A>G, p.Thr472Ala (NM_001330437.2); c.1399A>G, p.Thr467Ala (NM_001374625.1); short protein forms T467A, T468A, T472A.
Identifiers: ClinVar variation 993459 (VCV000993459.13), dbSNP rs397507537, ClinGen allele CA386778239.